The following is an entry in ClinVar:

NM_004064.5(CDKN1B):c.88_107delinsG (p.Arg30fs)

Gene: CDKN1B (cyclin dependent kinase inhibitor 1B; plus strand). Cytogenetic location: 12p13.1.
Variant type: Indel.
Coding change: c.88_107delinsG on transcript NM_004064.5 (MANE Select); coding-DNA positions 88 to 107, AGGAACCTCTTCGGCCCGGT replaced by G.
Protein change: p.Arg30fs; shifts the reading frame from arginine 30.
Molecular consequence: frameshift variant.
Genome position (GRCh38, 1-based): chr12:12,717,927-12,717,946, AGGAACCTCTTCGGCCCGGT replaced by G. VCF-style: chr12-12717927-AGGAACCTCTTCGGCCCGGT-G. GRCh37 (hg19) VCF-style: chr12-12870861-AGGAACCTCTTCGGCCCGGT-G.
Other names: short protein forms R30fs.
Identifiers: ClinVar variation 5034227 (VCV005034227.1).
Genomic context (GRCh38, chr12:12,717,927, plus strand): 5'-AGCCCTAGCCTGGAGCGGATGGACGCCAGGCAGGCGGAGCACCCCAAGCCCTCGGCCTGC[AGGAACCTCTTCGGCCCGGT>G]GGACCACGAAGAGTTAACCCGGGACTTGGAGAAGCACTGCAGAGACATGGAAGAGGCGAG-3'

ClinVar aggregate classification (germline): Likely pathogenic (1 of 4 stars; one submission).

Conditions:
Hereditary cancer-predisposing syndrome. Also called: Hereditary Cancer Syndrome; Neoplastic Syndromes, Hereditary; Tumor predisposition; Hereditary neoplastic syndrome. Identifiers: Orphanet 140162, MedGen C0027672, MeSH D009386, MONDO:0015356.

Submission:

Ambry Genetics
Classification: Likely pathogenic for Hereditary cancer-predisposing syndrome. Last evaluated: 2026-06-22. Review status: criteria provided, single submitter. Criteria: Ambry Variant Classification Scheme 2023. Collection method: clinical testing. Allele origin: germline.
Comment: The c.88_107del20insG variant, located in coding exon 1 of the CDKN1B gene, results from the deletion of 20 nucleotides and insertion of one nucleotide causing a translational frameshift with a predicted alternate stop codon (p.R30Gfs*6). The predicted stop codon occurs in the 5&rsquo; end of thegene. Premature termination codons in the 5&rsquo; end of a gene have been reported to escape nonsense-mediated mRNAdecay and/or lead to re-initiation (Rivas et al. Science. 2015 May 8;348(6235):666-9; Lindeboom et al. Nat Genet. 2016 Oct;48(10):1112-8; Rhee et al. Sci Rep. 2017 May 10;7(1):1653). Direct evidence for this variant is unavailable, however premature termination codons are typically deleterious in nature. This variant is considered to be rare based on population cohorts in the Genome Aggregation Database (gnomAD). Based on the majority of available evidence to date, this variant is likely to be pathogenic.